The following is an entry in ClinVar:

ClinVar aggregate classification (germline): Uncertain significance. Review status: criteria provided, multiple submitters, no conflicts (2 of 4 stars). 3 submissions from 3 submitters: Uncertain significance (3). Last evaluated 2024-11-22.

Conditions:
Severe X-linked myotubular myopathy (CNMX). Also called: X-linked centronuclear myopathy; Myotubular myopathy, X-linked; MYOTUBULAR MYOPATHY 1. Identifiers: Orphanet 596, MedGen C0410203, MONDO:0010683, OMIM 310400.

Submissions (3):

Broad Center for Mendelian Genomics, Broad Institute of MIT and Harvard
Classification: Uncertain significance for Severe X-linked myotubular myopathy. Last evaluated: 2024-11-22. Review status: criteria provided, single submitter. Criteria: ACMG Guidelines, 2015. Collection method: curation. Allele origin: germline. Inheritance: X-linked inheritance. Study: GREGoR Consortium.
Comment: The p.Leu137Pro variant in MTM1 has not been previously reported in the literature in individuals with X-linked centronuclear myopathy, and was absent from large population studies. This variant has also been reported in ClinVar (Variation ID: 1210740) and has been interpreted as a variant of uncertain significance by GeneDx and Labcorp. Computational prediction tools and conservation analyses suggest that this variant may impact the protein, though this information is not predictive enough to determine pathogenicity. In summary, the clinical significance of the p.Leu137Pro variant is uncertain. ACMG/AMP Criteria applied: PP3_moderate, PM2_supporting (Richards 2015).

Labcorp Genetics (formerly Invitae), Labcorp
Classification: Uncertain significance for Severe X-linked myotubular myopathy. Last evaluated: 2022-12-01. Review status: criteria provided, single submitter. Criteria: Invitae Variant Classification Sherloc (09022015). Collection method: clinical testing. Allele origin: germline.
Comment: In summary, the available evidence is currently insufficient to determine the role of this variant in disease. Therefore, it has been classified as a Variant of Uncertain Significance. Advanced modeling of protein sequence and biophysical properties (such as structural, functional, and spatial information, amino acid conservation, physicochemical variation, residue mobility, and thermodynamic stability) performed at Invitae indicates that this missense variant is expected to disrupt MTM1 protein function. ClinVar contains an entry for this variant (Variation ID: 1210740). This variant has not been reported in the literature in individuals affected with MTM1-related conditions. This variant is not present in population databases (gnomAD no frequency). This sequence change replaces leucine, which is neutral and non-polar, with proline, which is neutral and non-polar, at codon 137 of the MTM1 protein (p.Leu137Pro).

GeneDx
Classification: Uncertain significance. Last evaluated: 2019-12-12. Review status: criteria provided, single submitter. Criteria: GeneDx Variant Classification Process June 2021. Collection method: clinical testing. Allele origin: germline. Affected: yes.
Comment: Not observed in large population cohorts (Lek et al., 2016); In silico analysis, which includes protein predictors and evolutionary conservation, supports a deleterious effect; Has not been previously published as pathogenic or benign to our knowledge

NM_000252.3(MTM1):c.410T>C (p.Leu137Pro)

Gene: MTM1 (myotubularin 1; plus strand). Cytogenetic location: Xq28.
Variant type: single nucleotide variant.
Coding change: c.410T>C on transcript NM_000252.3 (MANE Select); coding-DNA position 410, T replaced by C.
Protein change: p.Leu137Pro; replaces leucine 137 with proline.
Molecular consequence: missense variant.
Genome position (GRCh38, 1-based): chrX:150,619,105, T>C. VCF-style: chrX-150619105-T-C. GRCh37 (hg19) VCF-style: chrX-149787578-T-C.
Other names: NM_000252.3(MTM1):c.410T>C; p.Leu137Pro; c.410T>C, p.Leu137Pro (NM_001376906.1, NM_001376908.1); c.299T>C, p.Leu100Pro (NM_001376907.1); short protein forms L100P, L137P.
Identifiers: ClinVar variation 1210740 (VCV001210740.6), dbSNP rs2148461766, ClinGen allele CA415251485.